The following is an entry in ClinVar:

NM_004247.4(EFTUD2):c.2373C>T (p.Ile791=)

Gene: EFTUD2 (elongation factor Tu GTP binding domain containing 2; minus strand). Cytogenetic location: 17q21.31.
Variant type: single nucleotide variant.
Coding change: c.2373C>T on transcript NM_004247.4 (MANE Select); coding-DNA position 2373, C replaced by T.
Protein change: p.Ile791=; no amino-acid change (isoleucine 791 retained).
Molecular consequence: synonymous variant.
Genome position (GRCh38, 1-based): chr17:44,853,610, G>A on the plus strand (C>T on the coding strand, the complement: EFTUD2 is on the minus strand). VCF-style: chr17-44853610-G-A. GRCh37 (hg19) VCF-style: chr17-42930978-G-A.
Other names: c.2268C>T, p.Ile756= (NM_001142605.2); c.2373C>T, p.Ile791= (NM_001258353.2); c.2343C>T, p.Ile781= (NM_001258354.2).
Identifiers: ClinVar variation 5039613 (VCV005039613.1).

ClinVar aggregate classification (germline): Likely benign (1 of 4 stars; one submission).

gnomAD v4.1: 11 of 1,614,178 alleles (0.00068%); highest among the groups gnomAD compares: Admixed American, 0.0017%; no homozygotes.

Submission:

CeGaT Center for Human Genetics Tuebingen
Classification: Likely benign. Last evaluated: 2026-08-01. Review status: criteria provided, single submitter. Criteria: CeGaT Center For Human Genetics Tuebingen Variant Classification Criteria Version 2. Collection method: clinical testing. Allele origin: germline. Affected: yes. Observed: 1 variant allele.
Comment: EFTUD2: BP4, BP7